The following is an entry in ClinVar:

ClinVar aggregate classification (germline): Conflicting classifications of pathogenicity. Review status: criteria provided, conflicting classifications (1 of 4 stars). 2 submissions from 2 submitters: Likely pathogenic (1); Uncertain significance (1). Last evaluated 2024-04-07.

Conditions:
Charcot-Marie-Tooth disease, type I (CMT1). Also called: Charcot-Marie-Tooth disease type 1; Charcot-Marie-Tooth, Type 1. Identifiers: Orphanet 65753, MedGen C0751036, MONDO:0019011.
Charcot-Marie-Tooth disease. Also called: Charcot-Marie-Tooth Neuropathy; Charcot-Marie-Tooth Hereditary Neuropathy. Identifiers: Orphanet 166, MedGen C0007959, MONDO:0015626.

Submissions (2):

Molecular Genetics, Royal Melbourne Hospital
Classification: Likely pathogenic for Charcot-Marie-Tooth disease. Last evaluated: 2024-04-07. Review status: criteria provided, single submitter. Criteria: ACMG Guidelines, 2015. Collection method: clinical testing. Allele origin: germline. Inheritance: Autosomal dominant inheritance. Affected: yes.
Comment: This sequence change is a synonymous (silent) substitution in the last nucleotide of exon 5 (of 6) of MPZ that is predicted to impact splicing (SpliceAI). RNA studies in patient cells demonstrate near complete aberrant splicing from the variant allele, demonstrating exon 5 skipping (p.Ser195Argfs*37) and intron 5 retention (p.Thr216Valfs*22) (RNA4RD). While loss of function is not an established mechanism of disease the impact of the aberrant transcripts is consistent with previously reported pathogenic truncating variants in the gene that escape nonsense-mediated decay (PMID: 7530550, 9588852, 14711881, 16252242). This variant is absent from the population database gnomAD v4.0. This variant has been detected in at least two individuals with demyelinating neuropathy (Melbourne Health Pathology; Invitae personal communication). Based on the classification scheme RMH Modified ACMG Guidelines v1.6.1, this variant is classified as LIKELY PATHOGENIC. Following criteria are met: PVS1_Strong, PM2_Supporting, PS4_Supporting.

Labcorp Genetics (formerly Invitae), Labcorp
Classification: Uncertain significance for Charcot-Marie-Tooth disease, type I. Last evaluated: 2023-05-31. Review status: criteria provided, single submitter. Criteria: Invitae Variant Classification Sherloc (09022015). Collection method: clinical testing. Allele origin: germline.
Comment: This variant is not present in population databases (gnomAD no frequency). In summary, the available evidence is currently insufficient to determine the role of this variant in disease. Therefore, it has been classified as a Variant of Uncertain Significance. Variants that disrupt the consensus splice site are a relatively common cause of aberrant splicing (PMID: 17576681, 9536098). Algorithms developed to predict the effect of sequence changes on RNA splicing suggest that this variant may disrupt the consensus splice site. ClinVar contains an entry for this variant (Variation ID: 1005403). This variant has not been reported in the literature in individuals affected with MPZ-related conditions. This sequence change affects codon 215 of the MPZ mRNA. It is a 'silent' change, meaning that it does not change the encoded amino acid sequence of the MPZ protein. This variant also falls at the last nucleotide of exon 5, which is part of the consensus splice site for this exon.

Literature cited by the submitters: PubMed 7530550 (cited by Molecular Genetics, Royal Melbourne Hospital); PubMed 9588852 (cited by Molecular Genetics, Royal Melbourne Hospital); PubMed 14711881 (cited by Molecular Genetics, Royal Melbourne Hospital); PubMed 16252242 (cited by Molecular Genetics, Royal Melbourne Hospital); PubMed 17576681 (cited by Labcorp Genetics (formerly Invitae), Labcorp); PubMed 9536098 (cited by Labcorp Genetics (formerly Invitae), Labcorp).

NM_000530.8(MPZ):c.645G>A (p.Gln215=)

Gene: MPZ (myelin protein zero; minus strand). Cytogenetic location: 1q23.3.
Variant type: single nucleotide variant.
Coding change: c.645G>A on transcript NM_000530.8 (MANE Select); coding-DNA position 645, G replaced by A.
Protein change: p.Gln215=; no amino-acid change (glutamine 215 retained).
Molecular consequence: synonymous variant.
Genome position (GRCh38, 1-based): chr1:161,306,108, C>T on the plus strand (G>A on the coding strand, the complement: MPZ is on the minus strand). VCF-style: chr1-161306108-C-T. GRCh37 (hg19) VCF-style: chr1-161275898-C-T.
Other names: c.645G>A, p.Gln215= (NM_001315491.2).
Identifiers: ClinVar variation 1005403 (VCV001005403.7), dbSNP rs1670232790, ClinGen allele CA421404127.